The following is an entry in ClinVar:

ClinVar aggregate classification (germline): Pathogenic. Review status: criteria provided, multiple submitters, no conflicts (2 of 4 stars). 6 submissions from 6 submitters: Pathogenic (6). Last evaluated 2025-08-06.

Conditions:
Cardiovascular phenotype. Identifiers: MedGen CN230736.
Hereditary cancer-predisposing syndrome. Also called: Neoplastic Syndromes, Hereditary; Hereditary Cancer Syndrome; Hereditary neoplastic syndrome; Tumor predisposition. Identifiers: Orphanet 140162, MedGen C0027672, MeSH D009386, MONDO:0015356.
Neurofibromatosis, type 1 (NF1). Also called: Peripheral type neurofibromatosis; VON RECKLINGHAUSEN DISEASE; Neurofibromatosis, type I; NEUROFIBROMATOSIS, TYPE I, SOMATIC. Identifiers: Orphanet 636, MedGen C0027831, MONDO:0018975, OMIM 162200. Disease mechanism: loss of function.

Allele frequency attached by ClinVar (database versions not stated): gnomAD exomes below 0.00001.
gnomAD v4.1: 1 of 1,607,408 alleles (0.000062%); highest among the groups gnomAD compares: Non-Finnish European, 0.000085%; no homozygotes.

Submissions (6):

Labcorp Genetics (formerly Invitae), Labcorp
Classification: Pathogenic for Neurofibromatosis, type 1. Last evaluated: 2025-08-06. Review status: criteria provided, single submitter. Criteria: Invitae Variant Classification Sherloc (09022015). Collection method: clinical testing. Allele origin: germline.
Comment: This sequence change creates a premature translational stop signal (p.Gln236*) in the NF1 gene. It is expected to result in an absent or disrupted protein product. Loss-of-function variants in NF1 are known to be pathogenic (PMID: 10712197, 23913538). This variant is not present in population databases (gnomAD no frequency). This premature translational stop signal has been observed in individual(s) with clinical features of neurofibromatosis type I (PMID: 18183640, 31776437). ClinVar contains an entry for this variant (Variation ID: 2137950). Algorithms developed to predict the effect of sequence changes on RNA splicing suggest that this variant may disrupt the consensus splice site. For these reasons, this variant has been classified as Pathogenic.

Genetics Department, Catlab
Classification: Pathogenic for Neurofibromatosis, type 1. Last evaluated: 2025-03-05. Review status: criteria provided, single submitter. Criteria: ACMG Guidelines, 2015. Collection method: clinical testing. Allele origin: germline. Affected: yes. Observed: 1 variant allele.
Comment: The c.706C>T variant in the NF1 gene is a loss of function variant predicted to undergo nonsense mediated decay, and loss of function variants have been described as a causing mechanism for the gene (PVS1). It has been observed in at least two independent individuals with neurofibromatosis type 1 (PS4), with a very specific phenotype (PP4). The variant is extremely rare in the gnomAD 4.1 database (AF=1.2072e-06) (PM2). With all the available evidence, the variant is classified as pathogenic.

Genomic Medicine Center of Excellence, King Faisal Specialist Hospital and Research Centre
Classification: Pathogenic for Neurofibromatosis, type 1. Last evaluated: 2024-03-25. Review status: criteria provided, single submitter. Criteria: ACMG Guidelines, 2015. Collection method: clinical testing. Allele origin: germline.

Ambry Genetics
Classification: Pathogenic for Cardiovascular phenotype; Hereditary cancer-predisposing syndrome. Last evaluated: 2023-10-03. Review status: criteria provided, single submitter. Criteria: Ambry Variant Classification Scheme 2023. Collection method: clinical testing. Allele origin: germline.
Comment: The p.Q236* pathogenic mutation (also known as c.706C>T), located in coding exon 7 of the NF1 gene, results from a C to T substitution at nucleotide position 706. This changes the amino acid from a glutamine to a stop codon within coding exon 7. This alteration has been observed in multiple individuals with a personal and/or family history that is consistent with NF1-related disease (Syrbe S et al. Klin Padiatr, 2007;219:326-3; Kang E et al. J Hum Genet, 2020 Jan;65:79-89). This variant is considered to be rare based on population cohorts in the Genome Aggregation Database (gnomAD). This alteration is expected to result in loss of function by premature protein truncation or nonsense-mediated mRNA decay. As such, this alteration is interpreted as a disease-causing mutation.

GeneDx
Classification: Pathogenic. Last evaluated: 2023-06-09. Review status: criteria provided, single submitter. Criteria: GeneDx Variant Classification Process June 2021. Collection method: clinical testing. Allele origin: germline. Affected: yes.
Comment: Nonsense variant predicted to result in protein truncation or nonsense mediated decay in a gene for which loss of function is a known mechanism of disease; Not observed at significant frequency in large population cohorts (gnomAD); This variant is associated with the following publications: (PMID: 25525159, 31776437, 18183640)

Juno Genomics, Hangzhou Juno Genomics, Inc
Classification: Pathogenic for Neurofibromatosis, type 1. Review status: criteria provided, single submitter. Criteria: ACMG Guidelines, 2015. Collection method: clinical testing. Allele origin: germline. Affected: yes.
Comment: Absent from controls (or at extremely low frequency if recessive) in Genome Aggregation Database, Exome Sequencing Project, 1000 Genomes Project, or Exome Aggregation Consortium.;Null variant in a gene where loss of function (LOF) is a known mechanism of disease.;The prevalence of the variant in affected individuals is significantly increased compared to the prevalence in controls.;Assumed de novo, but without confirmation of paternity and maternity.;Patient's phenotype or family history is highly specific for a disease with a single genetic etiology.

Literature cited by the submitters: PubMed 10712197 (cited by Labcorp Genetics (formerly Invitae), Labcorp); PubMed 23913538 (cited by Labcorp Genetics (formerly Invitae), Labcorp); PubMed 18183640 (cited by Labcorp Genetics (formerly Invitae), Labcorp and Genetics Department, Catlab); PubMed 31776437 (cited by Labcorp Genetics (formerly Invitae), Labcorp and Genetics Department, Catlab).

NM_001042492.3(NF1):c.706C>T (p.Gln236Ter)

Gene: NF1 (neurofibromin 1; plus strand). Cytogenetic location: 17q11.2.
Variant type: single nucleotide variant.
Coding change: c.706C>T on transcript NM_001042492.3 (MANE Select); coding-DNA position 706, C replaced by T.
Protein change: p.Gln236Ter; replaces glutamine 236 with a stop codon.
Molecular consequence: nonsense.
Genome position (GRCh38, 1-based): chr17:31,181,761, C>T. VCF-style: chr17-31181761-C-T. GRCh37 (hg19) VCF-style: chr17-29508779-C-T.
Other names: c.706C>T, p.Gln236Ter (NM_000267.4, NM_001128147.3); short protein forms Q236*.
Identifiers: ClinVar variation 2137950 (VCV002137950.11), dbSNP rs1597658664, ClinGen allele CA398990075.